The following is an entry in ClinVar:

NM_014946.4(SPAST):c.1037G>A (p.Gly346Asp)

Gene: SPAST (spastin; plus strand). Cytogenetic location: 2p22.3.
Variant type: single nucleotide variant.
Coding change: c.1037G>A on transcript NM_014946.4 (MANE Select); coding-DNA position 1037, G replaced by A.
Protein change: p.Gly346Asp; replaces glycine 346 with aspartic acid.
Molecular consequence: missense variant.
Genome position (GRCh38, 1-based): chr2:32,116,151, G>A. VCF-style: chr2-32116151-G-A. GRCh37 (hg19) VCF-style: chr2-32341220-G-A.
Other names: c.1034G>A, p.Gly345Asp (NM_001363823.2); c.938G>A, p.Gly313Asp (NM_001363875.2); c.941G>A, p.Gly314Asp (NM_001377959.1, NM_199436.2); short protein forms G313D, G314D, G345D, G346D.
Identifiers: ClinVar variation 1308049 (VCV001308049.3), dbSNP rs1573121594, ClinGen allele CA346499666.

ClinVar aggregate classification (germline): Uncertain significance. Review status: criteria provided, multiple submitters, no conflicts (2 of 4 stars). 2 submissions from 2 submitters: Uncertain significance (2). Last evaluated 2026-04-13.

Conditions:
Inborn genetic diseases. Identifiers: MedGen C0950123, MeSH D030342.

Submissions (2):

Ambry Genetics
Classification: Uncertain significance for Inborn genetic diseases. Last evaluated: 2026-04-13. Review status: criteria provided, single submitter. Criteria: Ambry Variant Classification Scheme 2023. Collection method: clinical testing. Allele origin: germline.
Comment: The c.1037G>A (p.G346D) alteration is located in exon 7 (coding exon 7) of the SPAST gene. This alteration results from a G to A substitution at nucleotide position 1037, causing the glycine (G) at amino acid position 346 to be replaced by an aspartic acid (D). This variant was not reported in population-based cohorts in the Genome Aggregation Database (gnomAD). This amino acid position is highly conserved in available vertebrate species. This missense variant is located in a region that has a low rate of benign missense variation (Lek, 2016; Firth, 2009). This alteration is predicted to be deleterious by in silico analysis. Based on insufficient or conflicting evidence, the clinical significance of this alteration remains unclear.

GeneDx
Classification: Uncertain significance. Last evaluated: 2019-09-10. Review status: criteria provided, single submitter. Criteria: GeneDx Variant Classification Process June 2021. Collection method: clinical testing. Allele origin: germline. Affected: yes.
Comment: Has not been previously published as pathogenic or benign to our knowledge; Not observed in large population cohorts (Lek et al., 2016); In silico analysis, which includes protein predictors and evolutionary conservation, supports a deleterious effect